The following is an entry in ClinVar:

ClinVar aggregate classification (germline): Uncertain significance (1 of 4 stars; one submission).

gnomAD v4.1: 22 of 1,606,968 alleles (0.0014%); highest among the groups gnomAD compares: Non-Finnish European, 0.0017%; no homozygotes.

Submission:

Dasa
Classification: Uncertain significance. Last evaluated: 2026-07-07. Review status: criteria provided, single submitter. Criteria: DASA Assertion Criteria. Collection method: clinical testing. Allele origin: germline.
Comment: NM_014967.5(FAN1):c.2769G>A (p.Thr923=) is a synonymous variant predicted not to alter the encoded amino acid sequence. This variant is rare in population databases. The currently available literature and clinical evidence are not sufficient to establish a definitive association between this variant and the reported condition. Therefore, this variant is classified as a variant of uncertain significance.

NM_014967.5(FAN1):c.2769G>A (p.Thr923=)

Genes: FAN1 (FANCD2 and FANCI associated nuclease 1; plus strand), MTMR10 (myotubularin related protein 10; minus strand). Cytogenetic location: 15q13.3.
Variant type: single nucleotide variant.
Coding change: c.2769G>A on transcript NM_014967.5 (MANE Select); coding-DNA position 2769, G replaced by A.
Protein change: p.Thr923=; no amino-acid change (threonine 923 retained).
Molecular consequence: synonymous variant.
Genome position (GRCh38, 1-based): chr15:30,929,379, G>A. VCF-style: chr15-30929379-G-A. GRCh37 (hg19) VCF-style: chr15-31221582-G-A.
Identifiers: ClinVar variation 5020228 (VCV005020228.1).